The following is an entry in ClinVar:

NM_000455.5(STK11):c.1135C>A (p.His379Asn)

Gene: STK11 (serine/threonine kinase 11; plus strand). Cytogenetic location: 19p13.3.
Variant type: single nucleotide variant.
Coding change: c.1135C>A on transcript NM_000455.5 (MANE Select); coding-DNA position 1135, C replaced by A.
Protein change: p.His379Asn; replaces histidine 379 with asparagine.
Molecular consequence: missense variant.
Genome position (GRCh38, 1-based): chr19:1,226,480, C>A. VCF-style: chr19-1226480-C-A. GRCh37 (hg19) VCF-style: chr19-1226479-C-A.
Other names: short protein forms H379N.
Identifiers: ClinVar variation 490159 (VCV000490159.19), dbSNP rs762124698, ClinGen allele CA045534.
Genomic context (GRCh38, chr19:1,226,480, plus strand): 5'-TCAGCTCAGGCCACACTTGCCGTCTCCCTCCCAGGACAGGTCCCAGAAGAGGAGGCCAGT[C>A]ACAATGGACAGCGCCGGGGCCTCCCCAAGGCCGTGTGTATGAACGGCACAGAGGCGGCGC-3'
Protein context (NP_000446.1, residues 369-389): PGQVPEEEAS[His379Asn]NGQRRGLPKA

ClinVar aggregate classification (germline): Conflicting classifications of pathogenicity. Review status: criteria provided, conflicting classifications (1 of 4 stars). 7 submissions from 7 submitters: Uncertain significance (6); Benign (1). Last evaluated 2024-11-04.

Conditions:
Hereditary cancer-predisposing syndrome. Also called: Tumor predisposition; Neoplastic Syndromes, Hereditary; Hereditary Cancer Syndrome; Hereditary neoplastic syndrome. Identifiers: Orphanet 140162, MedGen C0027672, MeSH D009386, MONDO:0015356.
Peutz-Jeghers syndrome (PJS). Also called: POLYPOSIS, HAMARTOMATOUS INTESTINAL; POLYPS-AND-SPOTS SYNDROME; Peutz-Jeghers polyposis; Periorificial lentiginosis syndrome. Identifiers: Orphanet 2869, MedGen C0031269, MeSH D010580, MONDO:0008280, OMIM 175200.

Allele frequency attached by ClinVar (database versions not stated): ExAC 0.00001; gnomAD exomes 0.00001.
gnomAD v4.1: 1 of 1,611,370 alleles (0.000062%); highest among the groups gnomAD compares: East Asian, 0.0022%; no homozygotes.

Submissions (7):

Labcorp Genetics (formerly Invitae), Labcorp
Classification: Uncertain significance for Peutz-Jeghers syndrome. Last evaluated: 2024-11-04. Review status: criteria provided, single submitter. Criteria: Invitae Variant Classification Sherloc (09022015). Collection method: clinical testing. Allele origin: germline.
Comment: This sequence change replaces histidine, which is basic and polar, with asparagine, which is neutral and polar, at codon 379 of the STK11 protein (p.His379Asn). This variant is present in population databases (rs762124698, gnomAD 0.01%). This variant has not been reported in the literature in individuals affected with STK11-related conditions. ClinVar contains an entry for this variant (Variation ID: 490159). Invitae Evidence Modeling of protein sequence and biophysical properties (such as structural, functional, and spatial information, amino acid conservation, physicochemical variation, residue mobility, and thermodynamic stability) indicates that this missense variant is not expected to disrupt STK11 protein function with a negative predictive value of 95%. In summary, the available evidence is currently insufficient to determine the role of this variant in disease. Therefore, it has been classified as a Variant of Uncertain Significance.

All of Us Research Program, National Institutes of Health
Classification: Uncertain significance for Peutz-Jeghers syndrome. Last evaluated: 2024-04-16. Review status: criteria provided, single submitter. Criteria: ACMG Guidelines, 2015. Collection method: clinical testing. Allele origin: germline. Inheritance: Autosomal dominant inheritance. Observed: 1 variant allele, 1 heterozygote.
Comment: This missense variant replaces histidine with asparagine at codon 379 of the STK11 protein. Computational prediction suggests that this variant may not impact protein structure and function (internally defined REVEL score threshold <= 0.5, PMID: 27666373). To our knowledge, functional studies have not been reported for this variant. This variant has not been reported in individuals affected with STK11-related disorders in the literature. This variant has been identified in 2/242004 chromosomes in the general population by the Genome Aggregation Database (gnomAD). The available evidence is insufficient to determine the role of this variant in disease conclusively. Therefore, this variant is classified as a Variant of Uncertain Significance.

This study involves interpretation of variants in research participants for the purpose of population health screening. Participant phenotype was not available at the time of variant classification. Additional details can be found in publication PMID: 35346344, PMCID: PMC8962531

GeneDx
Classification: Uncertain significance. Last evaluated: 2024-01-31. Review status: criteria provided, single submitter. Criteria: GeneDx Variant Classification Process June 2021. Collection method: clinical testing. Allele origin: germline. Affected: yes.
Comment: Not observed at significant frequency in large population cohorts (gnomAD); In silico analysis supports that this missense variant does not alter protein structure/function; Has not been previously published as pathogenic or benign to our knowledge; This variant is associated with the following publications: (PMID: 28900777)

Ambry Genetics
Classification: Benign for Hereditary cancer-predisposing syndrome. Last evaluated: 2023-12-22. Review status: criteria provided, single submitter. Criteria: Ambry Variant Classification Scheme 2023. Collection method: clinical testing. Allele origin: germline.

Color Diagnostics, LLC DBA Color Health
Classification: Uncertain significance for Hereditary cancer-predisposing syndrome. Last evaluated: 2023-12-05. Review status: criteria provided, single submitter. Criteria: ACMG Guidelines, 2015. Collection method: clinical testing. Allele origin: germline.
Comment: This missense variant replaces histidine with asparagine at codon 379 of the STK11 protein. Computational prediction suggests that this variant may not impact protein structure and function (internally defined REVEL score threshold <= 0.5, PMID: 27666373). To our knowledge, functional studies have not been reported for this variant. This variant has not been reported in individuals affected with STK11-related disorders in the literature. This variant has been identified in 2/242004 chromosomes in the general population by the Genome Aggregation Database (gnomAD). The available evidence is insufficient to determine the role of this variant in disease conclusively. Therefore, this variant is classified as a Variant of Uncertain Significance.

Genome-Nilou Lab
Classification: Uncertain significance for Peutz-Jeghers syndrome. Last evaluated: 2021-07-15. Review status: criteria provided, single submitter. Criteria: ACMG Guidelines, 2015. Collection method: clinical testing. Allele origin: germline. Affected: no.

Women's Health and Genetics/Laboratory Corporation of America, LabCorp
Classification: Uncertain significance. Last evaluated: 2021-03-07. Review status: criteria provided, single submitter. Criteria: LabCorp Variant Classification Summary - May 2015. Collection method: clinical testing. Allele origin: germline.
Comment: Variant summary: STK11 c.1135C>A (p.His379Asn) results in a conservative amino acid change in the encoded protein sequence. Five of five in-silico tools predict a benign effect of the variant on protein function. The variant allele was found at a frequency of 8.3e-06 in 242004 control chromosomes. The available data on variant occurrences in the general population are insufficient to allow any conclusion about variant significance. To our knowledge, no occurrence of c.1135C>A in individuals affected with Peutz-Jeghers Syndrome and no experimental evidence demonstrating its impact on protein function have been reported. Two clinical diagnostic laboratories have submitted clinical-significance assessments for this variant to ClinVar after 2014 without evidence for independent evaluation. All laboratories classified the variant as uncertain significance. Based on the evidence outlined above, the variant was classified as uncertain significance.